The following is an entry in ClinVar:

NM_014712.3(SETD1A):c.3186TGAAGA[1] (p.Asp1064_Glu1065del)

Gene: SETD1A (SET domain containing 1A, histone lysine methyltransferase; plus strand). Cytogenetic location: 16p11.2.
Variant type: Microsatellite.
Coding change: c.3186TGAAGA[1] on transcript NM_014712.3 (MANE Select); one copy of the 6-base unit TGAAGA starting at c.3186; the reference has two copies in a row; one copy, 6 bases deleted; also written c.3192_3197del.
Protein change: p.Asp1064_Glu1065del.
Molecular consequence: inframe deletion.
Genome position (GRCh38, 1-based): chr16:30,971,553-30,971,558, TGAAGA deleted; deleting any 6 consecutive bases within chr16:30,971,547-30,971,558 gives the same sequence; the position shown is the placement nearest the transcript's 3' end. VCF-style (leftmost placement, unchanged base first): chr16-30971546-CTGAAGA-C. GRCh37 (hg19) VCF-style: chr16-30982867-CTGAAGA-C.
Other names: c.3192_3197del (NM_014712.3).
Identifiers: ClinVar variation 5005572 (VCV005005572.2).
Genomic context (GRCh38, chr16:30,971,546, plus strand): 5'-CATCCTCCTCCTCCTCCTCGTCCTCATCCTCCTCGTCCTCTTCATCCTCTGAGTCCTCCT[CTGAAGA>C]TGAAGAGGAAGAGGAGCGGCCAGCAGCCCTTCCCTCAGCCTCCCCGCCCCCCAGAGAAGT-3'

ClinVar aggregate classification (germline): Uncertain significance (1 of 4 stars; one submission).

Conditions:
Neurodevelopmental disorder with speech impairment and dysmorphic facies. Identifiers: MedGen C5436699, MONDO:0033630, OMIM 619056.
Epilepsy, early-onset, with or without developmental delay. Identifiers: MedGen C5882670, MONDO:0030005, OMIM 618832.

Submission:

Juno Genomics, Hangzhou Juno Genomics, Inc
Classification: Uncertain significance for Epilepsy, early-onset, with or without developmental delay; Neurodevelopmental disorder with speech impairment and dysmorphic facies. Review status: criteria provided, single submitter. Criteria: ACMG Guidelines, 2015. Collection method: clinical testing. Allele origin: germline.
Comment: Absent from controls (or at extremely low frequency if recessive) in Genome Aggregation Database.;Protein length changes due to in-frame deletions/insertions in a non-repeat region or stop-loss variants.